The following is an entry in ClinVar:

NM_001130438.3(SPTAN1):c.6887C>T (p.Ala2296Val)

Gene: SPTAN1 (spectrin alpha, non-erythrocytic 1; plus strand). Cytogenetic location: 9q34.11.
Variant type: single nucleotide variant.
Coding change: c.6887C>T on transcript NM_001130438.3 (MANE Select); coding-DNA position 6887, C replaced by T.
Protein change: p.Ala2296Val; replaces alanine 2296 with valine.
Molecular consequence: missense variant.
Genome position (GRCh38, 1-based): chr9:128,632,251, C>T. VCF-style: chr9-128632251-C-T. GRCh37 (hg19) VCF-style: chr9-131394530-C-T.
Other names: c.6812C>T, p.Ala2271Val (NM_001195532.2); c.6950C>T, p.Ala2317Val (NM_001363759.2); c.6827C>T, p.Ala2276Val (NM_001363765.2, NM_001375314.2); c.6974C>T, p.Ala2325Val (NM_001375310.1); c.6887C>T, p.Ala2296Val (NM_001375311.2); c.6923C>T, p.Ala2308Val (NM_001375312.2); c.6869C>T, p.Ala2290Val (NM_001375313.1); c.6986C>T, p.Ala2329Val (NM_001375318.1); and 1 more; short protein forms A2271V, A2276V, A2290V, A2291V, A2296V, A2308V, A2317V, A2325V.
Identifiers: ClinVar variation 1305545 (VCV001305545.3), dbSNP rs2132089514, ClinGen allele CA375098420.

ClinVar aggregate classification (germline): Conflicting classifications of pathogenicity. Review status: criteria provided, conflicting classifications (1 of 4 stars). 2 submissions from 2 submitters: Likely pathogenic (1); Uncertain significance (1). Last evaluated 2019-05-09.

Conditions:
SPTAN1-related disorder. Also called: SPTAN1-related disorders; SPTAN1-related condition.

Submissions (2):

GeneDx
Classification: Uncertain significance. Last evaluated: 2019-05-09. Review status: criteria provided, single submitter. Criteria: GeneDx Variant Classification Process June 2021. Collection method: clinical testing. Allele origin: germline. Affected: yes.
Comment: Not observed in large population cohorts (Lek et al., 2016); In silico analysis, which includes protein predictors and evolutionary conservation, supports a deleterious effect; Has not been previously published as pathogenic or benign to our knowledge

Blueprint Genetics
Classification: Likely pathogenic for SPTAN1-related disorders. Last evaluated: 2018-10-15. Review status: criteria provided, single submitter. Criteria: ACMG Guidelines, 2015. Collection method: clinical testing. Allele origin: germline. Affected: yes. Observed: 1 variant allele.